The following is an entry in ClinVar:

NM_153046.3(TDRD9):c.3833T>G (p.Phe1278Cys)

Gene: TDRD9 (tudor domain containing 9; plus strand). Cytogenetic location: 14q32.33.
Variant type: single nucleotide variant.
Coding change: c.3833T>G on transcript NM_153046.3 (MANE Select); coding-DNA position 3833, T replaced by G.
Protein change: p.Phe1278Cys; replaces phenylalanine 1278 with cysteine.
Molecular consequence: missense variant.
Genome position (GRCh38, 1-based): chr14:104,040,312, T>G. VCF-style: chr14-104040312-T-G. GRCh37 (hg19) VCF-style: chr14-104506649-T-G.
Other names: short protein forms F1278C.
Identifiers: ClinVar variation 3059627 (VCV003059627.2), dbSNP rs2273841, ClinGen allele CA7369140.

ClinVar aggregate classification (germline): Benign (0 of 4 stars; one submission).

Conditions:
TDRD9-related disorder. Also called: TDRD9-related condition.

Allele frequency attached by ClinVar (database versions not stated): TOPMed 0.00363; gnomAD exomes 0.00410; ExAC 0.00597; gnomAD 0.00674; 1000 Genomes Project 30x 0.00984; 1000 Genomes Project 0.01018.
gnomAD v4.1: 6,735 of 1,551,184 alleles (0.43%); highest among the groups gnomAD compares: East Asian, 5.4%; 159 homozygotes.

Submission:

PreventionGenetics, part of Exact Sciences
Classification: Benign for TDRD9-related condition. Last evaluated: 2019-03-20. Review status: no assertion criteria provided. Collection method: clinical testing. Allele origin: germline.
Comment: This variant is classified as benign based on ACMG/AMP sequence variant interpretation guidelines (Richards et al. 2015 PMID: 25741868, with internal and published modifications).